The following is an entry in ClinVar:

NM_005612.5(REST):c.1169A>G (p.Asn390Ser)

Gene: REST (RE1 silencing transcription factor; plus strand). Cytogenetic location: 4q12.
Variant type: single nucleotide variant.
Coding change: c.1169A>G on transcript NM_005612.5 (MANE Select); coding-DNA position 1169, A replaced by G.
Protein change: p.Asn390Ser; replaces asparagine 390 with serine.
Molecular consequence: missense variant.
Genome position (GRCh38, 1-based): chr4:56,930,027, A>G. VCF-style: chr4-56930027-A-G. GRCh37 (hg19) VCF-style: chr4-57796193-A-G.
Other names: c.1169A>G, p.Asn390Ser (NM_001193508.2, NM_001363453.3); short protein forms N390S.
Identifiers: ClinVar variation 1434616 (VCV001434616.10), dbSNP rs150066390, ClinGen allele CA2932221.

ClinVar aggregate classification (germline): Uncertain significance. Review status: criteria provided, multiple submitters, no conflicts (2 of 4 stars). 3 submissions from 3 submitters: Uncertain significance (3). Last evaluated 2025-05-27.

Conditions:
Inborn genetic diseases. Identifiers: MedGen C0950123, MeSH D030342.

Allele frequency attached by ClinVar (database versions not stated): gnomAD 0.00001; gnomAD exomes 0.00002 and 0.00005; TOPMed 0.00003; ExAC 0.00006; ESP Exome Variant Server 0.00008.
gnomAD v4.1: 29 of 1,614,124 alleles (0.0018%); highest among the groups gnomAD compares: African/African-American, 0.0027%; no homozygotes.

Submissions (3):

Labcorp Genetics (formerly Invitae), Labcorp
Classification: Uncertain significance. Last evaluated: 2025-05-27. Review status: criteria provided, single submitter. Criteria: Invitae Variant Classification Sherloc (09022015). Collection method: clinical testing. Allele origin: germline.
Comment: This sequence change replaces asparagine, which is neutral and polar, with serine, which is neutral and polar, at codon 390 of the REST protein (p.Asn390Ser). This variant is present in population databases (rs150066390, gnomAD 0.008%). This variant has not been reported in the literature in individuals affected with REST-related conditions. ClinVar contains an entry for this variant (Variation ID: 1434616). An algorithm developed to predict the effect of missense changes on protein structure and function (PolyPhen-2) suggests that this variant is likely to be disruptive. In summary, the available evidence is currently insufficient to determine the role of this variant in disease. Therefore, it has been classified as a Variant of Uncertain Significance.

Ambry Genetics
Classification: Uncertain significance for Inborn genetic diseases. Last evaluated: 2025-01-01. Review status: criteria provided, single submitter. Criteria: Ambry Variant Classification Scheme 2023. Collection method: clinical testing. Allele origin: germline.

Breakthrough Genomics
Classification: Uncertain significance. Review status: criteria provided, single submitter. Criteria: ACMG Guidelines, 2015. Collection method: not provided. Allele origin: germline. Inheritance: Autosomal dominant inheritance. Affected: yes.